The following is an entry in ClinVar:

NM_001670.3(ARVCF):c.2486T>C (p.Val829Ala)

Gene: ARVCF (ARVCF delta catenin family member; minus strand). Cytogenetic location: 22q11.21.
Variant type: single nucleotide variant.
Coding change: c.2486T>C on transcript NM_001670.3 (MANE Select); coding-DNA position 2486, T replaced by C.
Protein change: p.Val829Ala; replaces valine 829 with alanine.
Molecular consequence: missense variant.
Genome position (GRCh38, 1-based): chr22:19,972,989, A>G on the plus strand (T>C on the coding strand, the complement: ARVCF is on the minus strand). VCF-style: chr22-19972989-A-G. GRCh37 (hg19) VCF-style: chr22-19960512-A-G.
Other names: short protein forms V829A.
Identifiers: ClinVar variation 720941 (VCV000720941.27), dbSNP rs115344498, ClinGen allele CA10105092.

ClinVar aggregate classification (germline): Likely benign. Review status: criteria provided, multiple submitters, no conflicts (2 of 4 stars). 2 submissions from 2 submitters: Likely benign (2). Last evaluated 2025-09-01.

Allele frequency attached by ClinVar (database versions not stated): 1000 Genomes Project 0.00060; 1000 Genomes Project 30x 0.00062; ExAC 0.00085; gnomAD exomes 0.00091 and 0.00169; ESP Exome Variant Server 0.00123; TOPMed 0.00125; gnomAD 0.00131 and 0.00136.
gnomAD v4.1: 2,646 of 1,613,370 alleles (0.16%); highest among the groups gnomAD compares: Non-Finnish European, 0.21%; 2 homozygotes.

Submissions (2):

CeGaT Center for Human Genetics Tuebingen
Classification: Likely benign. Last evaluated: 2025-09-01. Review status: criteria provided, single submitter. Criteria: CeGaT Center For Human Genetics Tuebingen Variant Classification Criteria Version 2. Collection method: clinical testing. Allele origin: germline. Affected: yes. Observed: 2 variant alleles.
Comment: ARVCF: BS1

Labcorp Genetics (formerly Invitae), Labcorp
Classification: Likely benign. Last evaluated: 2018-07-22. Review status: criteria provided, single submitter. Criteria: Invitae Variant Classification Sherloc (09022015). Collection method: clinical testing. Allele origin: germline.